The following is an entry in ClinVar:

ClinVar aggregate classification (germline): Uncertain significance. Review status: criteria provided, multiple submitters, no conflicts (2 of 4 stars). 3 submissions from 3 submitters: Uncertain significance (3). Last evaluated 2025-04-07.

Conditions:
Inborn genetic diseases. Identifiers: MedGen C0950123, MeSH D030342.
Aicardi-Goutieres syndrome 6 (AGS6). Identifiers: Orphanet 51, MedGen C3539013, MONDO:0014007, OMIM 615010.
Symmetrical dyschromatosis of extremities (DSH). Also called: Dyschromatosis symmetrica hereditaria; RETICULATE ACROPIGMENTATION OF DOHI; SYMMETRIC DYSCHROMATOSIS OF THE EXTREMITIES; DYSCHROMATOSIS SYMMETRICA HEREDITARIA 1. Identifiers: Orphanet 41, MedGen C0406775, MONDO:0007483, OMIM 127400.

Submissions (3):

Labcorp Genetics (formerly Invitae), Labcorp
Classification: Uncertain significance for Aicardi-Goutieres syndrome 6; Symmetrical dyschromatosis of extremities. Last evaluated: 2025-04-07. Review status: criteria provided, single submitter. Criteria: Invitae Variant Classification Sherloc (09022015). Collection method: clinical testing. Allele origin: germline.
Comment: This sequence change replaces phenylalanine, which is neutral and non-polar, with valine, which is neutral and non-polar, at codon 39 of the ADAR protein (p.Phe39Val). This variant is not present in population databases (gnomAD no frequency). This variant has not been reported in the literature in individuals affected with ADAR-related conditions. ClinVar contains an entry for this variant (Variation ID: 951692). An algorithm developed to predict the effect of missense changes on protein structure and function (PolyPhen-2) suggests that this variant is likely to be disruptive. In summary, the available evidence is currently insufficient to determine the role of this variant in disease. Therefore, it has been classified as a Variant of Uncertain Significance.

Ambry Genetics
Classification: Uncertain significance for Inborn genetic diseases. Last evaluated: 2025-01-22. Review status: criteria provided, single submitter. Criteria: Ambry Variant Classification Scheme 2023. Collection method: clinical testing. Allele origin: germline.

Blueprint Genetics
Classification: Uncertain significance. Last evaluated: 2020-10-20. Review status: criteria provided, single submitter. Criteria: ACMG Guidelines, 2015. Collection method: clinical testing. Allele origin: germline.

NM_001111.5(ADAR):c.115T>G (p.Phe39Val)

Gene: ADAR (adenosine deaminase RNA specific; minus strand). Cytogenetic location: 1q21.3.
Variant type: single nucleotide variant.
Coding change: c.115T>G on transcript NM_001111.5 (MANE Select); coding-DNA position 115, T replaced by G.
Protein change: p.Phe39Val; replaces phenylalanine 39 with valine.
Molecular consequence: missense variant. On other transcripts: 5 prime UTR variant (6).
Genome position (GRCh38, 1-based): chr1:154,602,527, A>C on the plus strand (T>G on the coding strand, the complement: ADAR is on the minus strand). VCF-style: chr1-154602527-A-C. GRCh37 (hg19) VCF-style: chr1-154575003-A-C.
Other names: c.-771T>G (NM_001025107.3, NM_001193495.2, NM_001365048.1); c.142T>G, p.Phe48Val (NM_001365045.1); c.-635T>G (NM_001365046.1, NM_001365047.1, NM_001365049.1); c.115T>G, p.Phe39Val (NM_015840.4, NM_015841.4); short protein forms F39V, F48V.
Identifiers: ClinVar variation 951692 (VCV000951692.11), dbSNP rs1697956017, ClinGen allele CA342606831.
Genomic context (GRCh38, chr1:154,602,527, plus strand): 5'-TTCCAATCACCGGTGCTTCTGGGAGCTGCCCCTTGAGAAATTCTATTTGCTTAAGCAGGA[A>C]ACTACTGGGGGAAGATCCTGGCCCAGGCTGCTGGTACCTGAGCTGTCTGTGCTCATAGCC-3'
Protein context (NP_001102.3, residues 29-49): QPGPGSSPSS[Phe39Val]LLKQIEFLKG